The following is an entry in ClinVar:

ClinVar aggregate classification (germline): Uncertain significance (1 of 4 stars; one submission).

Submission:

Ambry Genetics
Classification: Uncertain significance. Last evaluated: 2025-04-06. Review status: criteria provided, single submitter. Criteria: Ambry Variant Classification Scheme 2023. Collection method: clinical testing. Allele origin: germline.
Comment: The p.V1738D variant (also known as c.5213T>A), located in coding exon 22 of the WNK2 gene, results from a T to A substitution at nucleotide position 5213. The valine at codon 1738 is replaced by aspartic acid, an amino acid with highly dissimilar properties. This amino acid position is conserved. In addition, this alteration is predicted to be tolerated by in silico analysis. Based on the available evidence, the clinical significance of this variant remains unclear.

NM_006648.4(WNK2):c.5213T>A (p.Val1738Asp)

Gene: WNK2 (WNK lysine deficient protein kinase 2; plus strand). Cytogenetic location: 9q22.31.
Variant type: single nucleotide variant.
Coding change: c.5213T>A on transcript NM_006648.4 (MANE Select); coding-DNA position 5213, T replaced by A.
Protein change: p.Val1738Asp; replaces valine 1738 with aspartic acid.
Molecular consequence: missense variant.
Genome position (GRCh38, 1-based): chr9:93,292,678, T>A. VCF-style: chr9-93292678-T-A. GRCh37 (hg19) VCF-style: chr9-96054960-T-A.
Other names: c.5324T>A, p.Val1775Asp (NM_001282394.3); short protein forms V1738D, V1775D.
Identifiers: ClinVar variation 3981811 (VCV003981811.1).